The following is an entry in ClinVar:

ClinVar aggregate classification (germline): Uncertain significance (1 of 4 stars; one submission).

Submission:

GeneDx
Classification: Uncertain significance. Last evaluated: 2026-02-11. Review status: criteria provided, single submitter. Criteria: GeneDx Variant Classification Process June 2021. Collection method: clinical testing. Allele origin: germline.
Comment: Not observed at significant frequency in large population cohorts (gnomAD); In silico analysis suggests that this missense variant does not alter protein structure/function; Has not been previously published as pathogenic or benign to our knowledge

NM_015100.4(POGZ):c.3849G>T (p.Gln1283His)

Gene: POGZ (pogo transposable element derived with ZNF domain; minus strand). Cytogenetic location: 1q21.3.
Variant type: single nucleotide variant.
Coding change: c.3849G>T on transcript NM_015100.4 (MANE Select); coding-DNA position 3849, G replaced by T.
Protein change: p.Gln1283His; replaces glutamine 1283 with histidine.
Molecular consequence: missense variant.
Genome position (GRCh38, 1-based): chr1:151,405,186, C>A on the plus strand (G>T on the coding strand, the complement: POGZ is on the minus strand). VCF-style: chr1-151405186-C-A. GRCh37 (hg19) VCF-style: chr1-151377662-C-A.
Other names: c.3822G>T, p.Gln1274His (NM_001194937.2); c.3663G>T, p.Gln1221His (NM_001194938.2); c.3870G>T, p.Gln1290His (NM_001410860.1); c.3564G>T, p.Gln1188His (NM_145796.4); c.3690G>T, p.Gln1230His (NM_207171.2); short protein forms Q1221H, Q1283H, Q1230H, Q1274H, Q1290H, Q1188H.
Identifiers: ClinVar variation 5009904 (VCV005009904.1).